The following is an entry in ClinVar:

NM_017617.5(NOTCH1):c.4091T>C (p.Ile1364Thr)

Gene: NOTCH1 (notch receptor 1; minus strand). Cytogenetic location: 9q34.3.
Variant type: single nucleotide variant.
Coding change: c.4091T>C on transcript NM_017617.5 (MANE Select); coding-DNA position 4091, T replaced by C.
Protein change: p.Ile1364Thr; replaces isoleucine 1364 with threonine.
Molecular consequence: missense variant.
Genome position (GRCh38, 1-based): chr9:136,505,805, A>G on the plus strand (T>C on the coding strand, the complement: NOTCH1 is on the minus strand). VCF-style: chr9-136505805-A-G. GRCh37 (hg19) VCF-style: chr9-139400257-A-G.
Other names: short protein forms I1364T.
Identifiers: ClinVar variation 2752476 (VCV002752476.3), dbSNP rs2133340963, ClinGen allele CA375649819.

ClinVar aggregate classification (germline): Uncertain significance (1 of 4 stars; one submission).

Conditions:
Adams-Oliver syndrome 5 (AOS5). Identifiers: Orphanet 974, MedGen C4014970, MONDO:0014459, OMIM 616028.

Allele frequency attached by ClinVar (database versions not stated): gnomAD exomes below 0.00001.

Submission:

Labcorp Genetics (formerly Invitae), Labcorp
Classification: Uncertain significance for Adams-Oliver syndrome 5. Last evaluated: 2023-08-14. Review status: criteria provided, single submitter. Criteria: Invitae Variant Classification Sherloc (09022015). Collection method: clinical testing. Allele origin: germline.
Comment: In summary, the available evidence is currently insufficient to determine the role of this variant in disease. Therefore, it has been classified as a Variant of Uncertain Significance. Advanced modeling of protein sequence and biophysical properties (such as structural, functional, and spatial information, amino acid conservation, physicochemical variation, residue mobility, and thermodynamic stability) performed at Invitae indicates that this missense variant is not expected to disrupt NOTCH1 protein function. This variant has not been reported in the literature in individuals affected with NOTCH1-related conditions. This variant is not present in population databases (gnomAD no frequency). This sequence change replaces isoleucine, which is neutral and non-polar, with threonine, which is neutral and polar, at codon 1364 of the NOTCH1 protein (p.Ile1364Thr).